The following is an entry in ClinVar:

ClinVar aggregate classification (germline): Uncertain significance. Review status: criteria provided, multiple submitters, no conflicts (2 of 4 stars). 2 submissions from 2 submitters: Uncertain significance (2). Last evaluated 2025-08-05.

Conditions:
Inborn genetic diseases. Identifiers: MedGen C0950123, MeSH D030342.

Allele frequency attached by ClinVar (database versions not stated): ExAC 0.00001; gnomAD exomes 0.00001; gnomAD 0.00007; TOPMed 0.00011.
gnomAD v4.1: 15 of 1,587,482 alleles (0.00094%); highest among the groups gnomAD compares: African/African-American, 0.018%; no homozygotes.

Submissions (2):

Ambry Genetics
Classification: Uncertain significance for Inborn genetic diseases. Last evaluated: 2025-08-05. Review status: criteria provided, single submitter. Criteria: Ambry Variant Classification Scheme 2023. Collection method: clinical testing. Allele origin: germline.

Labcorp Genetics (formerly Invitae), Labcorp
Classification: Uncertain significance. Last evaluated: 2022-11-14. Review status: criteria provided, single submitter. Criteria: Invitae Variant Classification Sherloc (09022015). Collection method: clinical testing. Allele origin: germline.
Comment: This sequence change replaces proline, which is neutral and non-polar, with leucine, which is neutral and non-polar, at codon 1554 of the RTTN protein (p.Pro1554Leu). The frequency data for this variant in the population databases is considered unreliable, as metrics indicate poor data quality at this position in the gnomAD database. This variant has not been reported in the literature in individuals affected with RTTN-related conditions. Advanced modeling of protein sequence and biophysical properties (such as structural, functional, and spatial information, amino acid conservation, physicochemical variation, residue mobility, and thermodynamic stability) performed at Invitae indicates that this missense variant is not expected to disrupt RTTN protein function. In summary, the available evidence is currently insufficient to determine the role of this variant in disease. Therefore, it has been classified as a Variant of Uncertain Significance.

NM_173630.4(RTTN):c.4661C>T (p.Pro1554Leu)

Gene: RTTN (rotatin; minus strand). Cytogenetic location: 18q22.2.
Variant type: single nucleotide variant.
Coding change: c.4661C>T on transcript NM_173630.4 (MANE Select); coding-DNA position 4661, C replaced by T.
Protein change: p.Pro1554Leu; replaces proline 1554 with leucine.
Molecular consequence: missense variant.
Genome position (GRCh38, 1-based): chr18:70,065,915, G>A on the plus strand (C>T on the coding strand, the complement: RTTN is on the minus strand). VCF-style: chr18-70065915-G-A. GRCh37 (hg19) VCF-style: chr18-67733151-G-A.
Other names: c.4661C>T (NM_173630.3); c.1925C>T, p.Pro642Leu (NM_001318520.2); short protein forms P642L, P1554L.
Identifiers: ClinVar variation 2723258 (VCV002723258.4), dbSNP rs769310434, ClinGen allele CA8995162.